The following is an entry in ClinVar:

NM_001039876.3(SYNE4):c.878C>A (p.Thr293Asn)

Gene: SYNE4 (spectrin repeat containing nuclear envelope family member 4; minus strand). Cytogenetic location: 19q13.12.
Variant type: single nucleotide variant.
Coding change: c.878C>A on transcript NM_001039876.3 (MANE Select); coding-DNA position 878, C replaced by A.
Protein change: p.Thr293Asn; replaces threonine 293 with asparagine.
Molecular consequence: missense variant.
Genome position (GRCh38, 1-based): chr19:36,005,427, G>T on the plus strand (C>A on the coding strand, the complement: SYNE4 is on the minus strand). VCF-style: chr19-36005427-G-T. GRCh37 (hg19) VCF-style: chr19-36496329-G-T.
Other names: c.539C>A, p.Thr180Asn (NM_001297735.3); short protein forms T180N, T293N.
Identifiers: ClinVar variation 3572507 (VCV003572507.1).

ClinVar aggregate classification (germline): Uncertain significance (1 of 4 stars; one submission).

gnomAD v4.1: 4 of 1,614,018 alleles (0.00025%); highest among the groups gnomAD compares: Non-Finnish European, 0.00034%; no homozygotes.

Submission:

GeneDx
Classification: Uncertain significance. Last evaluated: 2024-07-08. Review status: criteria provided, single submitter. Criteria: GeneDx Variant Classification Process June 2021. Collection method: clinical testing. Allele origin: germline. Affected: yes.
Comment: Not observed at significant frequency in large population cohorts (gnomAD); In silico analysis supports that this missense variant has a deleterious effect on protein structure/function; Has not been previously published as pathogenic or benign to our knowledge